The following is an entry in ClinVar:

NM_138295.5(PKD1L1):c.6450G>A (p.Leu2150=)

Gene: PKD1L1 (polycystin 1 like 1, transient receptor potential channel interacting; minus strand). Cytogenetic location: 7p12.3.
Variant type: single nucleotide variant.
Coding change: c.6450G>A on transcript NM_138295.5 (MANE Select); coding-DNA position 6450, G replaced by A.
Protein change: p.Leu2150=; no amino-acid change (leucine 2150 retained).
Molecular consequence: synonymous variant.
Genome position (GRCh38, 1-based): chr7:47,831,240, C>T on the plus strand (G>A on the coding strand, the complement: PKD1L1 is on the minus strand). VCF-style: chr7-47831240-C-T. GRCh37 (hg19) VCF-style: chr7-47870838-C-T.
Identifiers: ClinVar variation 3348688 (VCV003348688.1).

ClinVar aggregate classification (germline): Uncertain significance (0 of 4 stars; one submission).

Conditions:
PKD1L1-related disorder. Also called: PKD1L1-related condition.

gnomAD v4.1: 14 of 1,613,940 alleles (0.00087%); highest among the groups gnomAD compares: African/African-American, 0.0013%; no homozygotes.

Submission:

PreventionGenetics, part of Exact Sciences
Classification: Uncertain significance for PKD1L1-related condition. Last evaluated: 2024-05-30. Review status: no assertion criteria provided. Collection method: clinical testing. Allele origin: germline.
Comment: The PKD1L1 c.6450G>A variant is not predicted to result in an amino acid change (p.=). To our knowledge, this variant has not been reported in the literature. This variant is reported in 0.0018% of alleles in individuals of European (Non-Finnish) descent in gnomAD. This variant is predicted to impact splicing (SpliceAI, Jaganathan et al. 2019. PubMed ID: 30661751). At this time, the clinical significance of this variant is uncertain due to the absence of conclusive functional and genetic evidence.